The following is an entry in ClinVar:

NM_001145809.2(MYH14):c.3033+11T>C

Gene: MYH14 (myosin heavy chain 14; plus strand). Cytogenetic location: 19q13.33.
Variant type: single nucleotide variant.
Coding change: c.3033+11T>C on transcript NM_001145809.2 (MANE Select); 11 bases into the intron after coding-DNA position 3033, T replaced by C.
Molecular consequence: intron variant.
Genome position (GRCh38, 1-based): chr19:50,268,378, T>C. VCF-style: chr19-50268378-T-C. GRCh37 (hg19) VCF-style: chr19-50771635-T-C.
Other names: c.2934+11T>C (NM_001077186.2); c.2910+11T>C (NM_024729.4).
Identifiers: ClinVar variation 44063 (VCV000044063.26), dbSNP rs930086, ClinGen allele CA133488.

ClinVar aggregate classification (germline): Benign. Review status: criteria provided, multiple submitters, no conflicts (2 of 4 stars). 10 submissions from 9 submitters: Benign (8). 2 of the submissions do not count toward it. Last evaluated 2026-02-04.

Conditions:
Autosomal dominant nonsyndromic hearing loss 4A. Also called: Deafness, autosomal dominant 4A. Identifiers: Orphanet 90635, MedGen C1833503, MONDO:0010915, OMIM 600652.
Peripheral neuropathy-myopathy-hoarseness-hearing loss syndrome. Identifiers: Orphanet 397744, MedGen C3280556, MONDO:0013711, OMIM 614369.

Allele frequency attached by ClinVar (database versions not stated): 1000 Genomes Project 0.86462; 1000 Genomes Project 30x 0.86524; TOPMed 0.86971; gnomAD 0.86981 and 0.87117; gnomAD exomes 0.87486 and 0.87942; ESP Exome Variant Server 0.87526; ExAC 0.87568.
gnomAD v4.1: 1,359,695 of 1,555,034 alleles (87%); highest among the groups gnomAD compares: Admixed American, 90%; 594,557 homozygotes.

Submissions (10):

Labcorp Genetics (formerly Invitae), Labcorp
Classification: Benign. Last evaluated: 2026-02-04. Review status: criteria provided, single submitter. Criteria: Invitae Variant Classification Sherloc (09022015). Collection method: clinical testing. Allele origin: germline.

Genome-Nilou Lab
Classification: Benign for Peripheral neuropathy-myopathy-hoarseness-hearing loss syndrome. Last evaluated: 2021-09-05. Review status: criteria provided, single submitter. Criteria: ACMG Guidelines, 2015. Collection method: clinical testing. Allele origin: germline. Affected: no.

Genome-Nilou Lab
Classification: Benign for Autosomal dominant nonsyndromic hearing loss 4A. Last evaluated: 2021-09-05. Review status: criteria provided, single submitter. Criteria: ACMG Guidelines, 2015. Collection method: clinical testing. Allele origin: germline. Affected: no.

GeneDx
Classification: Benign. Last evaluated: 2018-06-22. Review status: criteria provided, single submitter. Criteria: GeneDx Variant Classification Process June 2021. Collection method: clinical testing. Allele origin: germline. Affected: yes.

Illumina Laboratory Services, Illumina
Classification: Benign for Autosomal dominant nonsyndromic hearing loss 4A. Last evaluated: 2018-01-13. Review status: criteria provided, single submitter. Criteria: ICSL Variant Classification Criteria 13 December 2019. Collection method: clinical testing. Allele origin: germline.
Comment: This variant was observed in the ICSL laboratory as part of a predisposition screen in an ostensibly healthy population. It had not been previously curated by ICSL or reported in the Human Gene Mutation Database (HGMD: prior to June 1st, 2018), and was therefore a candidate for classification through an automated scoring system. Utilizing variant allele frequency, disease prevalence and penetrance estimates, and inheritance mode, an automated score was calculated to assess if this variant is too frequent to cause the disease. Based on the score and internal cut-off values, a variant classified as benign is not then subjected to further curation. The score for this variant resulted in a classification of benign for this disease.

Laboratory for Molecular Medicine, Mass General Brigham Personalized Medicine
Classification: Benign. Last evaluated: 2012-05-07. Review status: criteria provided, single submitter. Criteria: LMM Criteria. Collection method: clinical testing. Allele origin: germline. Observed: 1,408 variant alleles.
Comment: 3033+11T>C in Intron 24 of MYH14: This variant is not expected to have clinical significance because it is not located within the conserved splice consensus seq uence and has been identified in 13.5% (468/3466) of African American chromosome s from a broad population by the NHLBI Exome Sequencing Project (dbSNP rs930086).

Breakthrough Genomics
Classification: Benign. Review status: criteria provided, single submitter. Criteria: ACMG Guidelines, 2015. Collection method: not provided. Allele origin: germline. Inheritance: Autosomal dominant inheritance. Affected: yes.

PreventionGenetics, part of Exact Sciences
Classification: Benign. Review status: criteria provided, single submitter. Criteria: ACMG Guidelines, 2015. Collection method: clinical testing. Allele origin: germline.

Clinical Genetics, Academic Medical Center
Classification: Benign. Review status: no assertion criteria provided. Collection method: clinical testing. Allele origin: germline. Affected: yes. Study: VKGL Data-share Consensus. Not counted in ClinVar's aggregate classification.

Joint Genome Diagnostic Labs from Nijmegen and Maastricht, Radboudumc and MUMC+
Classification: Benign. Review status: no assertion criteria provided. Collection method: clinical testing. Allele origin: germline. Affected: yes. Study: VKGL Data-share Consensus. Not counted in ClinVar's aggregate classification.